The following is an entry in ClinVar:

NM_002148.4(HOXD10):c.*2T>C

Gene: HOXD10 (homeobox D10; plus strand). Cytogenetic location: 2q31.1.
Variant type: single nucleotide variant.
Coding change: c.*2T>C on transcript NM_002148.4 (MANE Select); 2 bases downstream of the stop codon, T replaced by C.
Molecular consequence: 3 prime UTR variant.
Genome position (GRCh38, 1-based): chr2:176,119,233, T>C. VCF-style: chr2-176119233-T-C. GRCh37 (hg19) VCF-style: chr2-176983961-T-C.
Identifiers: ClinVar variation 332490 (VCV000332490.42), dbSNP rs116807022, ClinGen allele CA1977447.

ClinVar aggregate classification (germline): Benign. Review status: criteria provided, multiple submitters, no conflicts (2 of 4 stars). 4 submissions from 4 submitters: Benign (4). Last evaluated 2025-02-11.

Conditions:
Congenital vertical talus. Also called: PES VALGUS, CONGENITAL CONVEX; Rocker-bottom foot deformity. Identifiers: Orphanet 178382, MedGen C0240912, MONDO:0008652, OMIM 192950, HP:0001838.

Allele frequency attached by ClinVar (database versions not stated): 1000 Genomes Project 30x 0.00406; 1000 Genomes Project 0.00419; ExAC 0.00961; gnomAD 0.00971 and 0.00985; gnomAD exomes 0.00973 and 0.01354; TOPMed 0.00994; ESP Exome Variant Server 0.01062.

Submissions (4):

ARUP Laboratories, Molecular Genetics and Genomics, ARUP Laboratories
Classification: Benign. Last evaluated: 2025-02-11. Review status: criteria provided, single submitter. Criteria: ARUP Molecular Germline Variant Investigation Process 2024. Collection method: clinical testing. Allele origin: germline.

CeGaT Center for Human Genetics Tuebingen
Classification: Benign. Last evaluated: 2024-08-01. Review status: criteria provided, single submitter. Criteria: CeGaT Center For Human Genetics Tuebingen Variant Classification Criteria Version 2. Collection method: clinical testing. Allele origin: germline. Affected: yes. Observed: 15 variant alleles.
Comment: HOXD10: BS1, BS2

Illumina Laboratory Services, Illumina
Classification: Benign for Congenital vertical talus. Last evaluated: 2018-01-13. Review status: criteria provided, single submitter. Criteria: ICSL Variant Classification Criteria 13 December 2019. Collection method: clinical testing. Allele origin: germline.
Comment: This variant was observed in the ICSL laboratory as part of a predisposition screen in an ostensibly healthy population. It had not been previously curated by ICSL or reported in the Human Gene Mutation Database (HGMD: prior to June 1st, 2018), and was therefore a candidate for classification through an automated scoring system. Utilizing variant allele frequency, disease prevalence and penetrance estimates, and inheritance mode, an automated score was calculated to assess if this variant is too frequent to cause the disease. Based on the score and internal cut-off values, a variant classified as benign is not then subjected to further curation. The score for this variant resulted in a classification of benign for this disease.

Breakthrough Genomics
Classification: Benign. Review status: criteria provided, single submitter. Criteria: ACMG Guidelines, 2015. Collection method: not provided. Allele origin: germline. Inheritance: Autosomal dominant inheritance. Affected: yes.